The following is an entry in ClinVar:

ClinVar aggregate classification (germline): Pathogenic. Review status: criteria provided, multiple submitters, no conflicts (2 of 4 stars). 4 submissions from 4 submitters: Pathogenic (3). 1 of the submissions does not count toward it. Last evaluated 2025-11-12.

Conditions:
Mucolipidosis. Also called: Mucolipidoses. Identifiers: Orphanet 79212, MedGen C0026697, MONDO:0019248.
Mucolipidosis type II. Also called: Mucolipidosis 2; ML 2; Inclusion cell disease; Leroy Disease; N-acetylglucosamine 1phosphotransferase deficiency; ML disorder type 2. Identifiers: Orphanet 576, MedGen C2673377, MONDO:0009650, OMIM 252500.
Pseudo-Hurler polydystrophy. Also called: Type III Mucolipidosis; ML IIIA; Mucolipidosis III Alpha/Beta; MUCOLIPIDOSIS IIIA; ML III; ML III ALPHA/BETA. Identifiers: Orphanet 423461, Orphanet 577, MedGen C0033788, MONDO:0018931, OMIM 252600.

Submissions (4):

Labcorp Genetics (formerly Invitae), Labcorp
Classification: Pathogenic for Pseudo-Hurler polydystrophy; Mucolipidosis type II. Last evaluated: 2025-11-12. Review status: criteria provided, single submitter. Criteria: Invitae Variant Classification Sherloc (09022015). Collection method: clinical testing. Allele origin: germline.
Comment: This sequence change creates a premature translational stop signal (p.Tyr899Valfs*21) in the GNPTAB gene. It is expected to result in an absent or disrupted protein product. Loss-of-function variants in GNPTAB are known to be pathogenic (PMID: 19617216, 25107912). This variant is present in population databases (rs281864999, gnomAD 0.0008%). This premature translational stop signal has been observed in individual(s) with mucolipidosis II (PMID: 19617216). ClinVar contains an entry for this variant (Variation ID: 39057). For these reasons, this variant has been classified as Pathogenic.

Natera, Inc.
Classification: Pathogenic for Mucolipidosis type II. Last evaluated: 2025-05-02. Review status: criteria provided, single submitter. Criteria: Natera Variant Classification Schema (03/2026). Collection method: clinical testing. Allele origin: germline.
Comment: The c.2693dupA variant in GNPTAB is a frameshift variant predicted to shift the reading frame beginning at codon 899 and leads to a stop codon 21 codons downstream. This variant is expected to result in nonsense mediated decay, truncation, or a dysfunctional protein product. This variant is rare in the general population with a frequency below the threshold expected for the associated phenotype(s). This variant has been observed in one or more individuals affected with the associated recessive disease, as either homozygous or compound heterozygous with a second variant (PMID: 19617216). Given the available evidence, this variant is classified as Pathogenic.

Women's Health and Genetics/Laboratory Corporation of America, LabCorp
Classification: Pathogenic for Mucolipidosis. Last evaluated: 2020-03-30. Review status: criteria provided, single submitter. Criteria: LabCorp Variant Classification Summary - May 2015. Collection method: clinical testing. Allele origin: germline.
Comment: Variant summary: GNPTAB c.2693dupA (p.Tyr899ValfsX21) results in a premature termination codon, predicted to cause a truncation of the encoded protein or absence of the protein due to nonsense mediated decay, which are commonly known mechanisms for disease. Truncations downstream of this position have been classified as pathogenic by our laboratory. The variant was absent in 250934 control chromosomes. c.2693dupA has been reported in the literature in individuals affected with Mucolipidosis and subsequently cited by others (example, Cathey_2010, Wang_2018, Velho_2019 and Yu_2019). These data indicate that the variant is likely to be associated with disease. To our knowledge, no experimental evidence demonstrating an impact on protein function has been reported. No clinical diagnostic laboratories have submitted clinical-significance assessments for this variant to ClinVar after 2014. Based on the evidence outlined above, the variant was classified as pathogenic.

GeneReviews
No classification provided. Condition: Mucolipidosis type II. Review status: no classification provided. Collection method: literature only. Allele origin: unknown. Not counted in ClinVar's aggregate classification.

Literature cited by the submitters: PubMed 19617216 (cited by 4 submitters); PubMed 25107912 (cited by Labcorp Genetics (formerly Invitae), Labcorp); PubMed 30882951 (cited by Women's Health and Genetics/Laboratory Corporation of America, LabCorp); PubMed 29872134 (cited by Women's Health and Genetics/Laboratory Corporation of America, LabCorp); PubMed 31934135 (cited by Women's Health and Genetics/Laboratory Corporation of America, LabCorp); PubMed 20301728 (cited by GeneReviews); NCBI Bookshelf NBK1828 (cited by GeneReviews).

NM_024312.5(GNPTAB):c.2693dup (p.Tyr899fs)

Gene: GNPTAB (N-acetylglucosamine-1-phosphate transferase subunits alpha and beta; minus strand). Cytogenetic location: 12q23.2.
Variant type: Duplication.
Coding change: c.2693dup on transcript NM_024312.5 (MANE Select); coding-DNA position 2693, one base duplicated (A; older notation c.2693dupA).
Protein change: p.Tyr899fs; shifts the reading frame from tyrosine 899.
Molecular consequence: frameshift variant.
Genome position (GRCh38, 1-based): chr12:101,764,224, T duplicated on the plus strand (A on the coding strand, the reverse complement: GNPTAB is on the minus strand); the first of 8 consecutive T bases (chr12:101,764,224-101,764,231); duplicating any one gives the same sequence. VCF-style (leftmost placement, unchanged base first): chr12-101764223-C-CT. GRCh37 (hg19) VCF-style: chr12-102158001-C-CT.
Other names: c.2693dup (NM_024312.4); c.2693dupA (NM_024312.4); short protein forms Y899fs.
Identifiers: ClinVar variation 39057 (VCV000039057.12), dbSNP rs281864999, ClinGen allele CA343379.